The following is an entry in ClinVar:

ClinVar aggregate classification (germline): Pathogenic (1 of 4 stars; one submission).

Conditions:
Cohen syndrome (COH1). Also called: PEPPER SYNDROME; Cutis verticis gyrata, retinitis pigmentosa, and sensorineural deafness. Identifiers: Orphanet 193, MedGen C0265223, MONDO:0008999, OMIM 216550.

Submission:

Labcorp Genetics (formerly Invitae), Labcorp
Classification: Pathogenic for Cohen syndrome. Last evaluated: 2023-09-11. Review status: criteria provided, single submitter. Criteria: Invitae Variant Classification Sherloc (09022015). Collection method: clinical testing. Allele origin: germline.
Comment: This sequence change creates a premature translational stop signal (p.Leu3175Trpfs*31) in the VPS13B gene. It is expected to result in an absent or disrupted protein product. Loss-of-function variants in VPS13B are known to be pathogenic (PMID: 15141358, 16648375, 20461111). This variant is not present in population databases (gnomAD no frequency). This variant has not been reported in the literature in individuals affected with VPS13B-related conditions. For these reasons, this variant has been classified as Pathogenic.

Literature cited by the submitters: PubMed 15141358; PubMed 16648375; PubMed 20461111.

NM_152564.5(VPS13B):c.9448del (p.Leu3150fs)

Gene: VPS13B (vacuolar protein sorting 13 homolog B; plus strand). Cytogenetic location: 8q22.2.
Variant type: Deletion.
Coding change: c.9448del on transcript NM_152564.5 (MANE Select); coding-DNA position 9448, one base deleted (C; older notation c.9448delC).
Protein change: p.Leu3150fs; shifts the reading frame from leucine 3150.
Molecular consequence: frameshift variant.
Genome position (GRCh38, 1-based): chr8:99,832,486, C deleted. VCF-style (leftmost placement, unchanged base first): chr8-99832485-AC-A. GRCh37 (hg19) VCF-style: chr8-100844713-AC-A.
Other names: c.9523del, p.Leu3175fs (NM_017890.5); short protein forms L3150fs, L3175fs.
Identifiers: ClinVar variation 2760037 (VCV002760037.3), dbSNP rs2492093854, ClinGen allele CA2697550076.